The following is an entry in ClinVar:

ClinVar aggregate classification (germline): Uncertain significance (1 of 4 stars; one submission).

Allele frequency attached by ClinVar (database versions not stated): gnomAD 0.00001; gnomAD exomes below 0.00001; TOPMed below 0.00001.
gnomAD v4.1: 2 of 1,433,136 alleles (0.00014%); highest among the groups gnomAD compares: African/African-American, 0.0029%; no homozygotes.

Submission:

Ambry Genetics
Classification: Uncertain significance. Last evaluated: 2025-03-20. Review status: criteria provided, single submitter. Criteria: Ambry Variant Classification Scheme 2023. Collection method: clinical testing. Allele origin: germline.
Comment: The p.L86P variant (also known as c.257T>C), located in coding exon 1 of the GALNT12 gene, results from a T to C substitution at nucleotide position 257. The leucine at codon 86 is replaced by proline, an amino acid with similar properties. This amino acid position is conserved. In addition, the in silico prediction for this alteration is inconclusive. Since supporting evidence is limited at this time, the clinical significance of this alteration remains unclear.

NM_024642.5(GALNT12):c.257T>C (p.Leu86Pro)

Gene: GALNT12 (polypeptide N-acetylgalactosaminyltransferase 12; plus strand). Cytogenetic location: 9q22.33.
Variant type: single nucleotide variant.
Coding change: c.257T>C on transcript NM_024642.5 (MANE Select); coding-DNA position 257, T replaced by C.
Protein change: p.Leu86Pro; replaces leucine 86 with proline.
Molecular consequence: missense variant.
Genome position (GRCh38, 1-based): chr9:98,807,955, T>C. VCF-style: chr9-98807955-T-C. GRCh37 (hg19) VCF-style: chr9-101570237-T-C.
Other names: short protein forms L86P.
Identifiers: ClinVar variation 1793363 (VCV001793363.3), dbSNP rs1487723569, ClinGen allele CA374222637.
Genomic context (GRCh38, chr9:98,807,955, plus strand): 5'-CGCGGCCGCCGGTGCCGGCGAACGCGCTGGGCGCGCGGGGCGAGGCGGTGCGGCTGCAGC[T>C]GCAGGGCGAGGAGCTGCGGCTGCAGGAGGAGAGCGTGCGGCTGCACCAGATTAACATCTA-3'
Protein context (NP_078918.3, residues 76-96): GARGEAVRLQ[Leu86Pro]QGEELRLQEE